The following is an entry in ClinVar:

NM_004304.5(ALK):c.1247C>A (p.Ala416Glu)

Gene: ALK (ALK receptor tyrosine kinase; minus strand). Cytogenetic location: 2p23.2.
Variant type: single nucleotide variant.
Coding change: c.1247C>A on transcript NM_004304.5 (MANE Select); coding-DNA position 1247, C replaced by A.
Protein change: p.Ala416Glu; replaces alanine 416 with glutamic acid.
Molecular consequence: missense variant.
Genome position (GRCh38, 1-based): chr2:29,383,767, G>T on the plus strand (C>A on the coding strand, the complement: ALK is on the minus strand). VCF-style: chr2-29383767-G-T. GRCh37 (hg19) VCF-style: chr2-29606633-G-T.
Other names: short protein forms A416E.
Identifiers: ClinVar variation 1759766 (VCV001759766.2), dbSNP rs772529363, ClinGen allele CA1594713.

ClinVar aggregate classification (germline): Uncertain significance (1 of 4 stars; one submission).

Conditions:
Hereditary cancer-predisposing syndrome. Also called: Neoplastic Syndromes, Hereditary; Tumor predisposition; Hereditary Cancer Syndrome; Hereditary neoplastic syndrome. Identifiers: Orphanet 140162, MedGen C0027672, MeSH D009386, MONDO:0015356.

Allele frequency attached by ClinVar (database versions not stated): ExAC 0.00001.
gnomAD v4.1: 1 of 1,614,144 alleles (0.000062%); highest among the groups gnomAD compares: Non-Finnish European, 0.000085%; no homozygotes.

Submission:

Ambry Genetics
Classification: Uncertain significance for Hereditary cancer-predisposing syndrome. Last evaluated: 2022-10-20. Review status: criteria provided, single submitter. Criteria: Ambry Variant Classification Scheme 2023. Collection method: clinical testing. Allele origin: germline.
Comment: The p.A416E variant (also known as c.1247C>A), located in coding exon 5 of the ALK gene, results from a C to A substitution at nucleotide position 1247. The alanine at codon 416 is replaced by glutamic acid, an amino acid with dissimilar properties. This amino acid position is conserved. In addition, the in silico prediction for this alteration is inconclusive. Since supporting evidence is limited at this time, the clinical significance of this alteration remains unclear.